The following is an entry in ClinVar:

NM_019892.6(INPP5E):c.506C>T (p.Pro169Leu)

Gene: INPP5E (inositol polyphosphate-5-phosphatase E; minus strand). Cytogenetic location: 9q34.3.
Variant type: single nucleotide variant.
Coding change: c.506C>T on transcript NM_019892.6 (MANE Select); coding-DNA position 506, C replaced by T.
Protein change: p.Pro169Leu; replaces proline 169 with leucine.
Molecular consequence: missense variant.
Genome position (GRCh38, 1-based): chr9:136,438,914, G>A on the plus strand (C>T on the coding strand, the complement: INPP5E is on the minus strand). VCF-style: chr9-136438914-G-A. GRCh37 (hg19) VCF-style: chr9-139333366-G-A.
Other names: c.506C>T, p.Pro169Leu (NM_001318502.2); short protein forms P169L.
Identifiers: ClinVar variation 847804 (VCV000847804.10), dbSNP rs1232108345, ClinGen allele CA375568545.

ClinVar aggregate classification (germline): Uncertain significance (1 of 4 stars; one submission).

Conditions:
Joubert syndrome. Also called: CEREBELLOPARENCHYMAL DISORDER IV; JOUBERT-BOLTSHAUSER SYNDROME; Familial aplasia of the vermis. Identifiers: Orphanet 475, MedGen C5979921, MONDO:0018772.

Allele frequency attached by ClinVar (database versions not stated): gnomAD 0.00001; TOPMed 0.00002.
gnomAD v4.1: 5 of 1,575,480 alleles (0.00032%); highest among the groups gnomAD compares: Non-Finnish European, 0.00043%; no homozygotes.

Submission:

Labcorp Genetics (formerly Invitae), Labcorp
Classification: Uncertain significance for Joubert syndrome. Last evaluated: 2021-02-24. Review status: criteria provided, single submitter. Criteria: Invitae Variant Classification Sherloc (09022015). Collection method: clinical testing. Allele origin: germline.
Comment: Algorithms developed to predict the effect of missense changes on protein structure and function output the following: SIFT: "Tolerated"; PolyPhen-2: "Benign"; Align-GVGD: "Class C0". The leucine amino acid residue is found in multiple mammalian species, suggesting that this missense change does not adversely affect protein function. These predictions have not been confirmed by published functional studies and their clinical significance is uncertain. This sequence change replaces proline with leucine at codon 169 of the INPP5E protein (p.Pro169Leu). The proline residue is weakly conserved and there is a moderate physicochemical difference between proline and leucine. The frequency data for this variant in the population databases is considered unreliable, as metrics indicate insufficient coverage at this position in the ExAC database. This variant has not been reported in the literature in individuals with INPP5E-related conditions. In summary, the available evidence is currently insufficient to determine the role of this variant in disease. Therefore, it has been classified as a Variant of Uncertain Significance.